The following is an entry in ClinVar:

ClinVar aggregate classification (germline): Uncertain significance (1 of 4 stars; one submission).

gnomAD v4.1: 1 of 1,576,028 alleles (0.000063%); highest among the groups gnomAD compares: Non-Finnish European, 0.000086%; no homozygotes.

Submission:

Labcorp Genetics (formerly Invitae), Labcorp
Classification: Uncertain significance. Last evaluated: 2025-10-29. Review status: criteria provided, single submitter. Criteria: Invitae Variant Classification Sherloc (09022015). Collection method: clinical testing. Allele origin: germline.
Comment: This sequence change replaces alanine, which is neutral and non-polar, with valine, which is neutral and non-polar, at codon 51 of the SHPK protein (p.Ala51Val). The frequency data for this variant in the population databases is considered unreliable, as metrics indicate poor data quality at this position in the gnomAD database. This variant has not been reported in the literature in individuals affected with SHPK-related conditions. An algorithm developed to predict the effect of missense changes on protein structure and function outputs the following: PolyPhen-2: "Benign". The valine amino acid residue is found in multiple mammalian species, which suggests that this missense change does not adversely affect protein function. In summary, the available evidence is currently insufficient to determine the role of this variant in disease. Therefore, it has been classified as a Variant of Uncertain Significance.

NM_013276.4(SHPK):c.152C>T (p.Ala51Val)

Gene: SHPK (sedoheptulokinase; minus strand). Cytogenetic location: 17p13.2.
Variant type: single nucleotide variant.
Coding change: c.152C>T on transcript NM_013276.4 (MANE Select); coding-DNA position 152, C replaced by T.
Protein change: p.Ala51Val; replaces alanine 51 with valine.
Molecular consequence: missense variant.
Genome position (GRCh38, 1-based): chr17:3,636,068, G>A on the plus strand (C>T on the coding strand, the complement: SHPK is on the minus strand). VCF-style: chr17-3636068-G-A. GRCh37 (hg19) VCF-style: chr17-3539362-G-A.
Other names: short protein forms A51V.
Identifiers: ClinVar variation 4774541 (VCV004774541.1).